The following is an entry in ClinVar:

ClinVar aggregate classification (germline): Pathogenic (1 of 4 stars; one submission).

Conditions:
Neonatal-onset encephalopathy with rigidity and seizures. Also called: Lethal neonatal spasticity-epileptic encephalopathy syndrome. Identifiers: Orphanet 435845, MedGen C3281029, MONDO:0013784, OMIM 614498.

Submission:

Labcorp Genetics (formerly Invitae), Labcorp
Classification: Pathogenic for Neonatal-onset encephalopathy with rigidity and seizures. Last evaluated: 2022-12-26. Review status: criteria provided, single submitter. Criteria: Invitae Variant Classification Sherloc (09022015). Collection method: clinical testing. Allele origin: germline.
Comment: For these reasons, this variant has been classified as Pathogenic. This variant disrupts a region of the BRAT1 protein in which other variant(s) (p.Gln762*) have been determined to be pathogenic (PMID: 31618474, 31868227). This suggests that this is a clinically significant region of the protein, and that variants that disrupt it are likely to be disease-causing. This variant has not been reported in the literature in individuals affected with BRAT1-related conditions. This variant is not present in population databases (gnomAD no frequency). This sequence change creates a premature translational stop signal (p.Phe703*) in the BRAT1 gene. While this is not anticipated to result in nonsense mediated decay, it is expected to disrupt the last 119 amino acid(s) of the BRAT1 protein.

Literature cited by the submitters: PubMed 31618474; PubMed 31868227.

NM_152743.4(BRAT1):c.2104_2107dup (p.Phe703Ter)

Gene: BRAT1 (BRCA1 associated ATM activator 1; minus strand). Cytogenetic location: 7p22.3.
Variant type: Duplication.
Coding change: c.2104_2107dup on transcript NM_152743.4 (MANE Select); coding-DNA positions 2104 to 2107, 4 bases duplicated (GACT; older notation c.2104_2107dupGACT).
Protein change: p.Phe703Ter; replaces phenylalanine 703 with a stop codon.
Molecular consequence: nonsense. On other transcripts: non-coding transcript variant (1).
Genome position (GRCh38, 1-based): chr7:2,538,428-2,538,431, AGTC duplicated on the plus strand (GACT on the coding strand, the reverse complement: BRAT1 is on the minus strand); duplicating any 4 consecutive bases within chr7:2,538,428-2,538,432 gives the same sequence; the c. name uses the placement nearest the transcript's 3' end. VCF-style (leftmost placement, unchanged base first): chr7-2538427-A-AAGTC. GRCh37 (hg19) VCF-style: chr7-2578061-A-AAGTC.
Other names: c.2284_2287dup, p.Phe763Ter (NM_001350626.2); c.1579_1582dup, p.Phe528Ter (NM_001350627.2); short protein forms F703*, F528*, F763*.
Identifiers: ClinVar variation 2080436 (VCV002080436.4), dbSNP rs2534285386, ClinGen allele CA2580076706.